The following is an entry in ClinVar:

NM_001348800.3(ZBTB20):c.1166C>T (p.Ser389Leu)

Gene: ZBTB20 (zinc finger and BTB domain containing 20; minus strand). Cytogenetic location: 3q13.31.
Variant type: single nucleotide variant.
Coding change: c.1166C>T on transcript NM_001348800.3 (MANE Select); coding-DNA position 1166, C replaced by T.
Protein change: p.Ser389Leu; replaces serine 389 with leucine.
Molecular consequence: missense variant.
Genome position (GRCh38, 1-based): chr3:114,350,912, G>A on the plus strand (C>T on the coding strand, the complement: ZBTB20 is on the minus strand). VCF-style: chr3-114350912-G-A. GRCh37 (hg19) VCF-style: chr3-114069759-G-A.
Other names: c.1166C>T, p.Ser389Leu (NM_001164342.2, NM_001348803.3, NM_001393393.1 and 1 more transcripts); c.947C>T, p.Ser316Leu (NM_001164343.2, NM_001164344.4, NM_001164345.4 and 9 more transcripts); short protein forms S316L, S389L.
Identifiers: ClinVar variation 1327732 (VCV001327732.2), dbSNP rs867416890, ClinGen allele CA81667884.

ClinVar aggregate classification (germline): Uncertain significance (1 of 4 stars; one submission).

Submission:

GeneDx
Classification: Uncertain significance. Last evaluated: 2021-04-13. Review status: criteria provided, single submitter. Criteria: GeneDx Variant Classification Process June 2021. Collection method: clinical testing. Allele origin: germline. Affected: yes.
Comment: Not observed in large population cohorts (Lek et al., 2016); In silico analysis supports that this missense variant does not alter protein structure/function; Has not been previously published as pathogenic or benign to our knowledge